The following is an entry in ClinVar:

ClinVar aggregate classification (germline): Uncertain significance. Review status: criteria provided, multiple submitters, no conflicts (2 of 4 stars). 3 submissions from 3 submitters: Uncertain significance (3). Last evaluated 2025-12-15.

Conditions:
Inborn genetic diseases. Identifiers: MedGen C0950123, MeSH D030342.

Allele frequency attached by ClinVar (database versions not stated): TOPMed below 0.00001; gnomAD 0.00001; gnomAD exomes 0.00001.
gnomAD v4.1: 6 of 1,613,350 alleles (0.00037%); highest among the groups gnomAD compares: Middle Eastern, 0.066%; no homozygotes.

Submissions (3):

Labcorp Genetics (formerly Invitae), Labcorp
Classification: Uncertain significance. Last evaluated: 2025-12-15. Review status: criteria provided, single submitter. Criteria: Invitae Variant Classification Sherloc (09022015). Collection method: clinical testing. Allele origin: germline.
Comment: This sequence change replaces serine, which is neutral and polar, with phenylalanine, which is neutral and non-polar, at codon 3234 of the DCHS1 protein (p.Ser3234Phe). This variant is not present in population databases (gnomAD no frequency). This variant has not been reported in the literature in individuals affected with DCHS1-related conditions. ClinVar contains an entry for this variant (Variation ID: 1399061). Invitae Evidence Modeling of protein sequence and biophysical properties (such as structural, functional, and spatial information, amino acid conservation, physicochemical variation, residue mobility, and thermodynamic stability) indicates that this missense variant is not expected to disrupt DCHS1 protein function with a negative predictive value of 95%. In summary, the available evidence is currently insufficient to determine the role of this variant in disease. Therefore, it has been classified as a Variant of Uncertain Significance.

Ambry Genetics
Classification: Uncertain significance for Inborn genetic diseases. Last evaluated: 2023-11-28. Review status: criteria provided, single submitter. Criteria: Ambry Variant Classification Scheme 2023. Collection method: clinical testing. Allele origin: germline.

CeGaT Center for Human Genetics Tuebingen
Classification: Uncertain significance. Last evaluated: 2022-08-01. Review status: criteria provided, single submitter. Criteria: CeGaT Center For Human Genetics Tuebingen Variant Classification Criteria Version 2. Collection method: clinical testing. Allele origin: germline. Affected: yes. Observed: 1 variant allele.
Comment: DCHS1: PM2, BP4

NM_003737.4(DCHS1):c.9701C>T (p.Ser3234Phe)

Gene: DCHS1 (dachsous cadherin-related 1; minus strand). Cytogenetic location: 11p15.4.
Variant type: single nucleotide variant.
Coding change: c.9701C>T on transcript NM_003737.4 (MANE Select); coding-DNA position 9701, C replaced by T.
Protein change: p.Ser3234Phe; replaces serine 3234 with phenylalanine.
Molecular consequence: missense variant.
Genome position (GRCh38, 1-based): chr11:6,621,975, G>A on the plus strand (C>T on the coding strand, the complement: DCHS1 is on the minus strand). VCF-style: chr11-6621975-G-A. GRCh37 (hg19) VCF-style: chr11-6643206-G-A.
Other names: c.9701C>T (NM_003737.2); short protein forms S3234F.
Identifiers: ClinVar variation 1399061 (VCV001399061.34), dbSNP rs942214212, ClinGen allele CA217328831.
Genomic context (GRCh38, chr11:6,621,975, plus strand): 5'-AAGCTGGGGGACATGGCAGCTGAGGACAGGGAGCCTTCATGGCTGATGGGGGAGCGGTGA[G>A]AAGCTGGTGGGAAGATGGCCCGGGCTGCAGCTGTGTTTGCTGGCTTGGGGGGCACAGACT-3'
Protein context (NP_003728.1, residues 3224-3244): AAARAIFPPA[Ser3234Phe]HRSPISHEGS